The following is an entry in ClinVar:

NM_004064.5(CDKN1B):c.125C>G (p.Thr42Ser)

Gene: CDKN1B (cyclin dependent kinase inhibitor 1B; plus strand). Cytogenetic location: 12p13.1.
Variant type: single nucleotide variant.
Coding change: c.125C>G on transcript NM_004064.5 (MANE Select); coding-DNA position 125, C replaced by G.
Protein change: p.Thr42Ser; replaces threonine 42 with serine.
Molecular consequence: missense variant.
Genome position (GRCh38, 1-based): chr12:12,717,964, C>G. VCF-style: chr12-12717964-C-G. GRCh37 (hg19) VCF-style: chr12-12870898-C-G.
Other names: short protein forms T42S.
Identifiers: ClinVar variation 1036076 (VCV001036076.14), dbSNP rs200422211, ClinGen allele CA383968793.

ClinVar aggregate classification (germline): Uncertain significance. Review status: criteria provided, multiple submitters, no conflicts (2 of 4 stars). 3 submissions from 3 submitters: Uncertain significance (3). Last evaluated 2026-01-26.

Conditions:
Hereditary cancer-predisposing syndrome. Also called: Neoplastic Syndromes, Hereditary; Hereditary Cancer Syndrome; Tumor predisposition; Hereditary neoplastic syndrome. Identifiers: Orphanet 140162, MedGen C0027672, MeSH D009386, MONDO:0015356.
Multiple endocrine neoplasia type 4. Also called: MULTIPLE ENDOCRINE NEOPLASIA, TYPE IV. Identifiers: Orphanet 276152, MedGen C1970712, MONDO:0012552, OMIM 610755.

Allele frequency attached by ClinVar (database versions not stated): TOPMed 0.00001.

Submissions (3):

Labcorp Genetics (formerly Invitae), Labcorp
Classification: Uncertain significance for Multiple endocrine neoplasia type 4. Last evaluated: 2026-01-26. Review status: criteria provided, single submitter. Criteria: Invitae Variant Classification Sherloc (09022015). Collection method: clinical testing. Allele origin: germline.
Comment: This sequence change replaces threonine, which is neutral and polar, with serine, which is neutral and polar, at codon 42 of the CDKN1B protein (p.Thr42Ser). This variant is not present in population databases (gnomAD no frequency). This variant has not been reported in the literature in individuals affected with CDKN1B-related conditions. ClinVar contains an entry for this variant (Variation ID: 1036076). An algorithm developed to predict the effect of missense changes on protein structure and function (PolyPhen-2) suggests that this variant is likely to be tolerated. In summary, the available evidence is currently insufficient to determine the role of this variant in disease. Therefore, it has been classified as a Variant of Uncertain Significance.

Ambry Genetics
Classification: Uncertain significance for Hereditary cancer-predisposing syndrome. Last evaluated: 2024-05-19. Review status: criteria provided, single submitter. Criteria: Ambry Variant Classification Scheme 2023. Collection method: clinical testing. Allele origin: germline.
Comment: The p.T42S variant (also known as c.125C>G), located in coding exon 1 of the CDKN1B gene, results from a C to G substitution at nucleotide position 125. The threonine at codon 42 is replaced by serine, an amino acid with similar properties. This amino acid position is conserved. In addition, this alteration is predicted to be tolerated by in silico analysis. Since supporting evidence is limited at this time, the clinical significance of this alteration remains unclear.

Baylor Genetics
Classification: Uncertain significance for Multiple endocrine neoplasia type 4. Last evaluated: 2023-11-05. Review status: criteria provided, single submitter. Criteria: ACMG Guidelines, 2015. Collection method: clinical testing. Allele origin: unknown.